The following is an entry in ClinVar:

ClinVar aggregate classification (germline): Likely pathogenic (1 of 4 stars; one submission).

Conditions:
Congenital isolated adrenocorticotropic hormone deficiency. Also called: ACTH DEFICIENCY, ISOLATED; ACTH deficiency; Adrenocorticotropic hormone deficiency. Identifiers: Orphanet 199296, MedGen C0342388, MONDO:0008720, OMIM 201400, HP:0011748.

Submission:

Molecular Genetics Department, Kulakov National Medical Research Center for Obstetrics, Gynecology and Perinatology
Classification: Likely pathogenic for Congenital isolated adrenocorticotropic hormone deficiency. Review status: criteria provided, single submitter. Criteria: ACMG Guidelines, 2015. Collection method: clinical testing. Allele origin: germline. Affected: yes. Observed: 1 variant allele.
Comment: A previously undescribed homozygous nucleotide variant creates an alteration of the canonical splice site c.469-1G>A in the TBX19 gene. Homozygous and compound heterozygous variants are reported in patients with adrenocorticotropic hormone deficiency, 201400. The variant is not present in population database (gnomAD no frequency). In summary, the currently available evidence indicates that the variant is pathogenic, but additional data are needed to prove that conclusively. Therefore, this variant has been classified as likely pathogenic.

NM_005149.3(TBX19):c.469-1G>A

Gene: TBX19 (T-box transcription factor 19; plus strand). Cytogenetic location: 1q24.2.
Variant type: single nucleotide variant.
Coding change: c.469-1G>A on transcript NM_005149.3 (MANE Select); the canonical splice acceptor site of the intron before coding-DNA position 469, G replaced by A.
Molecular consequence: splice acceptor variant.
Genome position (GRCh38, 1-based): chr1:168,293,143, G>A. VCF-style: chr1-168293143-G-A. GRCh37 (hg19) VCF-style: chr1-168262381-G-A.
Identifiers: ClinVar variation 4294492 (VCV004294492.1).